The following is an entry in ClinVar:

NM_006231.4(POLE):c.579-2A>G

Gene: POLE (DNA polymerase epsilon, catalytic subunit; minus strand). Cytogenetic location: 12q24.33.
Variant type: single nucleotide variant.
Coding change: c.579-2A>G on transcript NM_006231.4 (MANE Select); the canonical splice acceptor site of the intron before coding-DNA position 579, A replaced by G.
Molecular consequence: splice acceptor variant.
Genome position (GRCh38, 1-based): chr12:132,677,721, T>C on the plus strand (A>G on the coding strand, the complement: POLE is on the minus strand). VCF-style: chr12-132677721-T-C. GRCh37 (hg19) VCF-style: chr12-133254307-T-C.
Identifiers: ClinVar variation 959922 (VCV000959922.11), dbSNP rs2043088809, ClinGen allele CA387365509.

ClinVar aggregate classification (germline): Likely pathogenic. Review status: criteria provided, single submitter (1 of 4 stars). 2 submissions from 2 submitters: Likely pathogenic (1). 1 of the submissions does not count toward it. Last evaluated 2025-11-23.

Conditions:
Carcinoma of colon (CRC). Also called: Colonic carcinoma; Colon carcinoma. Identifiers: MedGen C0699790, MONDO:0002032.

Submissions (2):

Labcorp Genetics (formerly Invitae), Labcorp
Classification: Likely pathogenic. Last evaluated: 2025-11-23. Review status: criteria provided, single submitter. Criteria: Invitae Variant Classification Sherloc (09022015). Collection method: clinical testing. Allele origin: germline.
Comment: This sequence change affects an acceptor splice site in intron 6 of the POLE gene. It is expected to disrupt RNA splicing. Variants that disrupt the donor or acceptor splice site typically lead to a loss of protein function (PMID: 16199547), and loss-of-function variants in POLE are known to be pathogenic (PMID: 23230001, 25948378, 30503519). This variant is not present in population databases (gnomAD no frequency). This variant has not been reported in the literature in individuals affected with POLE-related conditions. ClinVar contains an entry for this variant (Variation ID: 959922). Algorithms developed to predict the effect of sequence changes on RNA splicing suggest that this variant may disrupt the consensus splice site. In summary, the currently available evidence indicates that the variant is pathogenic, but additional data are needed to prove that conclusively. Therefore, this variant has been classified as Likely Pathogenic.

Department of Pathology and Laboratory Medicine, Sinai Health System
Classification: Pathogenic for Carcinoma of colon. Review status: no assertion criteria provided. Collection method: clinical testing. Allele origin: unknown. Affected: yes. Observed: 1 variant allele. Study: The Canadian Open Genetics Repository (COGR). Not counted in ClinVar's aggregate classification.
Comment: The POLE c.579-2A>G variant was not identified in the literature nor was it identified in the dbSNP, ClinVar, or Cosmic databases. The variant was not identified in the following control databases: the 1000 Genomes Project, the NHLBI GO Exome Sequencing Project, the Exome Aggregation Consortium (August 8th 2016), or the Genome Aggregation Database (Feb 27, 2017). The c.579-2A>G variant is predicted to cause abnormal splicing because the nucleotide substitution occurs in the invariant region of the splice consensus sequence. In addition, 5 of 5 in silico or computational prediction software programs (SpliceSiteFinder, MaxEntScan, NNSPLICE, GeneSplicer, HumanSpliceFinder) predict a greater than 10% difference in splicing. In summary, based on the above information, this variant meets our laboratoryâ€šÃ„Ã´s criteria to be classified as pathogenic.

Literature cited by the submitters: PubMed 16199547 (cited by Labcorp Genetics (formerly Invitae), Labcorp); PubMed 23230001 (cited by Labcorp Genetics (formerly Invitae), Labcorp); PubMed 25948378 (cited by Labcorp Genetics (formerly Invitae), Labcorp); PubMed 30503519 (cited by Labcorp Genetics (formerly Invitae), Labcorp).